The following is an entry in ClinVar:

ClinVar aggregate classification (germline): Uncertain significance (1 of 4 stars; one submission).

Submission:

Labcorp Genetics (formerly Invitae), Labcorp
Classification: Uncertain significance. Last evaluated: 2022-02-25. Review status: criteria provided, single submitter. Criteria: Invitae Variant Classification Sherloc (09022015). Collection method: clinical testing. Allele origin: germline.
Comment: In summary, the available evidence is currently insufficient to determine the role of this variant in disease. Therefore, it has been classified as a Variant of Uncertain Significance. Algorithms developed to predict the effect of missense changes on protein structure and function (SIFT, PolyPhen-2, Align-GVGD) all suggest that this variant is likely to be disruptive. This variant has not been reported in the literature in individuals affected with ZNF513-related conditions. This variant is present in population databases (rs377462187, gnomAD 0.007%). This sequence change replaces leucine, which is neutral and non-polar, with proline, which is neutral and non-polar, at codon 299 of the ZNF513 protein (p.Leu299Pro).

NM_144631.6(ZNF513):c.896T>C (p.Leu299Pro)

Gene: ZNF513 (zinc finger protein 513; minus strand). Cytogenetic location: 2p23.3.
Variant type: single nucleotide variant.
Coding change: c.896T>C on transcript NM_144631.6 (MANE Select); coding-DNA position 896, T replaced by C.
Protein change: p.Leu299Pro; replaces leucine 299 with proline.
Molecular consequence: missense variant.
Genome position (GRCh38, 1-based): chr2:27,378,275, A>G on the plus strand (T>C on the coding strand, the complement: ZNF513 is on the minus strand). VCF-style: chr2-27378275-A-G. GRCh37 (hg19) VCF-style: chr2-27601142-A-G.
Other names: c.710T>C, p.Leu237Pro (NM_001201459.2); short protein forms L237P, L299P.
Identifiers: ClinVar variation 2103239 (VCV002103239.4), dbSNP rs377462187, ClinGen allele CA1577906.